The following is an entry in ClinVar:

NM_006371.5(CRTAP):c.959G>A (p.Ser320Asn)

Gene: CRTAP (cartilage associated protein; plus strand). Cytogenetic location: 3p22.3.
Variant type: single nucleotide variant.
Coding change: c.959G>A on transcript NM_006371.5 (MANE Select); coding-DNA position 959, G replaced by A.
Protein change: p.Ser320Asn; replaces serine 320 with asparagine.
Molecular consequence: missense variant.
Genome position (GRCh38, 1-based): chr3:33,132,591, G>A. VCF-style: chr3-33132591-G-A. GRCh37 (hg19) VCF-style: chr3-33174083-G-A.
Other names: c.959G>A, p.Ser320Asn (NM_001393363.1); c.830G>A, p.Ser277Asn (NM_001393364.1); c.809G>A, p.Ser270Asn (NM_001393365.1); c.959G>A (NM_006371.4); short protein forms S277N, S270N, S320N.
Identifiers: ClinVar variation 1436467 (VCV001436467.5), dbSNP rs2125603844, ClinGen allele CA351997524.

ClinVar aggregate classification (germline): Uncertain significance. Review status: criteria provided, multiple submitters, no conflicts (2 of 4 stars). 2 submissions from 2 submitters: Uncertain significance (2). Last evaluated 2024-11-15.

Conditions:
Inborn genetic diseases. Identifiers: MedGen C0950123, MeSH D030342.
Osteogenesis imperfecta type 7 (OI7). Also called: OI type 7; OI type VII; OSTEOGENESIS IMPERFECTA, TYPE IIB; Osteogenesis imperfecta type 2B; OI type 2B; Osteogenesis imperfecta, perinatal lethal autosomal recessive. Identifiers: MedGen C1853162, MONDO:0012536, OMIM 610682.

Allele frequency attached by ClinVar (database versions not stated): gnomAD exomes 0.00001.
gnomAD v4.1: 9 of 1,614,158 alleles (0.00056%); highest among the groups gnomAD compares: Non-Finnish European, 0.00076%; no homozygotes.

Submissions (2):

Ambry Genetics
Classification: Uncertain significance for Inborn genetic diseases. Last evaluated: 2024-11-15. Review status: criteria provided, single submitter. Criteria: Ambry Variant Classification Scheme 2023. Collection method: clinical testing. Allele origin: germline.

Labcorp Genetics (formerly Invitae), Labcorp
Classification: Uncertain significance for Osteogenesis imperfecta type 7. Last evaluated: 2022-07-25. Review status: criteria provided, single submitter. Criteria: Invitae Variant Classification Sherloc (09022015). Collection method: clinical testing. Allele origin: germline.
Comment: This sequence change replaces serine, which is neutral and polar, with asparagine, which is neutral and polar, at codon 320 of the CRTAP protein (p.Ser320Asn). This variant is not present in population databases (gnomAD no frequency). This variant has not been reported in the literature in individuals affected with CRTAP-related conditions. ClinVar contains an entry for this variant (Variation ID: 1436467). Algorithms developed to predict the effect of missense changes on protein structure and function are either unavailable or do not agree on the potential impact of this missense change (SIFT: "Tolerated"; PolyPhen-2: "Probably Damaging"; Align-GVGD: "Class C0"). In summary, the available evidence is currently insufficient to determine the role of this variant in disease. Therefore, it has been classified as a Variant of Uncertain Significance.